The following is an entry in ClinVar:

ClinVar aggregate classification (germline): Likely pathogenic (1 of 4 stars; one submission).

Conditions:
Autosomal recessive limb-girdle muscular dystrophy. Identifiers: Orphanet 102015, MedGen C2931907, MONDO:0015152.

Submission:

Myriad Genetics, Inc.
Classification: Likely pathogenic for Autosomal recessive limb-girdle muscular dystrophy. Last evaluated: 2021-12-31. Review status: criteria provided, single submitter. Criteria: Myriad Autosomal Dominant, Autosomal Recessive and X-Linked Classification Criteria (2023). Collection method: clinical testing. Allele origin: unknown.
Comment: NM_003494.3(DYSF):c.4296delC(Y1433Tfs*15) is expected to be pathogenic in the context of dysferlinopathy. This variant is predicted to lead to an abnormal or absent protein product due to the creation of a premature termination codon in DYSF, a gene where loss-of-function variants are known to be pathogenic. Please note: this variant was assessed in the context of healthy population screening.

NM_001130987.2(DYSF):c.4350del (p.Tyr1451fs)

Gene: DYSF (dysferlin; plus strand). Cytogenetic location: 2p13.2.
Variant type: Deletion.
Coding change: c.4350del on transcript NM_001130987.2 (MANE Select); coding-DNA position 4350, one base deleted (C; older notation c.4350delC).
Protein change: p.Tyr1451fs; shifts the reading frame from tyrosine 1451.
Molecular consequence: frameshift variant.
Genome position (GRCh38, 1-based): chr2:71,612,769, C deleted; the last of 4 consecutive C bases (chr2:71,612,766-71,612,769); deleting any one gives the same sequence. VCF-style (leftmost placement, unchanged base first): chr2-71612765-AC-A. GRCh37 (hg19) VCF-style: chr2-71839895-AC-A.
Other names: c.4299del, p.Tyr1434fs (NM_001130455.2, NM_001130983.2); c.4254del, p.Tyr1419fs (NM_001130976.2, NM_001130977.2); c.4296del, p.Tyr1433fs (NM_001130978.2, NM_003494.4); c.4389del, p.Tyr1464fs (NM_001130979.2); c.4347del, p.Tyr1450fs (NM_001130980.2, NM_001130981.2); c.4392del, p.Tyr1465fs (NM_001130982.2); c.4257del, p.Tyr1420fs (NM_001130984.2, NM_001130986.2); c.4350del, p.Tyr1451fs (NM_001130985.2); short protein forms Y1419fs, Y1420fs, Y1433fs, Y1434fs, Y1450fs, Y1451fs, Y1464fs, Y1465fs.
Identifiers: ClinVar variation 1726733 (VCV001726733.3), dbSNP rs2546143809, ClinGen allele CA2580067802.
Genomic context (GRCh38, chr2:71,612,765, plus strand): 5'-TTGGCCGCCGGCCTGTGGTGGGCCAGTGTACCATCCGCTCCCTGGAGAGCTTCCTGTGTG[AC>A]CCCTACTCGGCGGAGAGTCCATCCCCACAGGGTGGCCCAGGTAGGGGAAGGGGAGATGAT-3'